The following is an entry in ClinVar:

ClinVar aggregate classification (germline): Uncertain significance (1 of 4 stars; one submission).

Conditions:
Cardiovascular phenotype. Identifiers: MedGen CN230736.
Hereditary cancer-predisposing syndrome. Also called: Tumor predisposition; Hereditary neoplastic syndrome; Neoplastic Syndromes, Hereditary; Hereditary Cancer Syndrome. Identifiers: Orphanet 140162, MedGen C0027672, MeSH D009386, MONDO:0015356.

Submission:

Ambry Genetics
Classification: Uncertain significance for Cardiovascular phenotype; Hereditary cancer-predisposing syndrome. Last evaluated: 2025-04-18. Review status: criteria provided, single submitter. Criteria: Ambry Variant Classification Scheme 2023. Collection method: clinical testing. Allele origin: germline.
Comment: The p.V218A variant (also known as c.653T>C), located in coding exon 8 of the LZTR1 gene, results from a T to C substitution at nucleotide position 653. The valine at codon 218 is replaced by alanine, an amino acid with similar properties. This amino acid position is conserved. In addition, this alteration is predicted to be tolerated by in silico analysis. Based on the available evidence, the clinical significance of this variant remains unclear.

NM_006767.4(LZTR1):c.653T>C (p.Val218Ala)

Gene: LZTR1 (leucine zipper like post translational regulator 1; plus strand). Cytogenetic location: 22q11.21.
Variant type: single nucleotide variant.
Coding change: c.653T>C on transcript NM_006767.4 (MANE Select); coding-DNA position 653, T replaced by C.
Protein change: p.Val218Ala; replaces valine 218 with alanine.
Molecular consequence: missense variant.
Genome position (GRCh38, 1-based): chr22:20,990,387, T>C. VCF-style: chr22-20990387-T-C. GRCh37 (hg19) VCF-style: chr22-21344676-T-C.
Other names: short protein forms V218A.
Identifiers: ClinVar variation 3992441 (VCV003992441.1).